The following is an entry in ClinVar:

ClinVar aggregate classification (germline): Uncertain significance. Review status: criteria provided, multiple submitters, no conflicts (2 of 4 stars). 2 submissions from 2 submitters: Uncertain significance (2). Last evaluated 2023-07-07.

Conditions:
Progressive sclerosing poliodystrophy (MTDPS4A). Also called: NEURONAL DEGENERATION OF CHILDHOOD WITH LIVER DISEASE, PROGRESSIVE; ALPERS PROGRESSIVE INFANTILE POLIODYSTROPHY; Alpers-Huttenlocher Syndrome; Alpers Syndrome; ALPERS DIFFUSE DEGENERATION OF CEREBRAL GRAY MATTER WITH HEPATIC CIRRHOSIS; Mitochondrial DNA depletion syndrome 4A (Alpers type). Identifiers: Orphanet 726, MedGen C0205710, MONDO:0008758, OMIM 203700.
Inborn genetic diseases. Identifiers: MedGen C0950123, MeSH D030342.

Allele frequency attached by ClinVar (database versions not stated): gnomAD 0.00001.
gnomAD v4.1: 4 of 1,536,346 alleles (0.00026%); highest among the groups gnomAD compares: East Asian, 0.0024%; no homozygotes.

Submissions (2):

Labcorp Genetics (formerly Invitae), Labcorp
Classification: Uncertain significance for Progressive sclerosing poliodystrophy. Last evaluated: 2023-07-07. Review status: criteria provided, single submitter. Criteria: Invitae Variant Classification Sherloc (09022015). Collection method: clinical testing. Allele origin: germline.
Comment: This sequence change replaces alanine, which is neutral and non-polar, with valine, which is neutral and non-polar, at codon 12 of the POLG protein (p.Ala12Val). The frequency data for this variant in the population databases is considered unreliable, as metrics indicate poor data quality at this position in the gnomAD database. This variant has not been reported in the literature in individuals affected with POLG-related conditions. ClinVar contains an entry for this variant (Variation ID: 2483175). Advanced modeling of protein sequence and biophysical properties (such as structural, functional, and spatial information, amino acid conservation, physicochemical variation, residue mobility, and thermodynamic stability) performed at Invitae indicates that this missense variant is not expected to disrupt POLG protein function. In summary, the available evidence is currently insufficient to determine the role of this variant in disease. Therefore, it has been classified as a Variant of Uncertain Significance.

Ambry Genetics
Classification: Uncertain significance for Inborn genetic diseases. Last evaluated: 2023-02-13. Review status: criteria provided, single submitter. Criteria: Ambry Variant Classification Scheme 2023. Collection method: clinical testing. Allele origin: germline.

NM_002693.3(POLG):c.35C>T (p.Ala12Val)

Genes: POLG (DNA polymerase gamma, catalytic subunit; minus strand), POLGARF (POLG alternative reading frame; minus strand). Cytogenetic location: 15q26.1.
Variant type: single nucleotide variant.
Coding change: c.35C>T on transcript NM_002693.3 (MANE Select); coding-DNA position 35, C replaced by T.
Protein change: p.Ala12Val; replaces alanine 12 with valine.
Molecular consequence: missense variant.
Genome position (GRCh38, 1-based): chr15:89,333,720, G>A on the plus strand (C>T on the coding strand, the complement: POLG is on the minus strand). VCF-style: chr15-89333720-G-A. GRCh37 (hg19) VCF-style: chr15-89876951-G-A.
Other names: c.35C>T, p.Ala12Val (NM_001126131.2); short protein forms A12V.
Identifiers: ClinVar variation 2483175 (VCV002483175.5), dbSNP rs1438282314, ClinGen allele CA393775261.